The following is an entry in ClinVar:

ClinVar aggregate classification (germline): Uncertain significance (1 of 4 stars; one submission).

gnomAD v4.1: 6 of 1,614,192 alleles (0.00037%); highest among the groups gnomAD compares: Middle Eastern, 0.049%; no homozygotes.

Submission:

Labcorp Genetics (formerly Invitae), Labcorp
Classification: Uncertain significance. Last evaluated: 2020-06-26. Review status: criteria provided, single submitter. Criteria: Invitae Variant Classification Sherloc (09022015). Collection method: clinical testing. Allele origin: germline.
Comment: In summary, the available evidence is currently insufficient to determine the role of this variant in disease. Therefore, it has been classified as a Variant of Uncertain Significance. Algorithms developed to predict the effect of sequence changes on RNA splicing suggest that this variant may create or strengthen a splice site, but this prediction has not been confirmed by published transcriptional studies. This variant has not been reported in the literature in individuals with RGR-related conditions. This variant is not present in population databases (ExAC no frequency). This sequence change results in a premature translational stop signal in the RGR gene (p.Gly275*). While this is not anticipated to result in nonsense mediated decay, it is expected to disrupt the last 17 amino acids of the RGR protein.

NM_001012720.2(RGR):c.823G>T (p.Gly275Ter)

Gene: RGR (retinal G protein coupled receptor; plus strand). Cytogenetic location: 10q23.1.
Variant type: single nucleotide variant.
Coding change: c.823G>T on transcript NM_001012720.2 (MANE Select); coding-DNA position 823, G replaced by T.
Protein change: p.Gly275Ter; replaces glycine 275 with a stop codon.
Molecular consequence: nonsense.
Genome position (GRCh38, 1-based): chr10:84,258,586, G>T. VCF-style: chr10-84258586-G-T. GRCh37 (hg19) VCF-style: chr10-86018342-G-T.
Other names: c.709G>T, p.Gly237Ter (NM_001012722.2); c.835G>T, p.Gly279Ter (NM_002921.4); short protein forms G237*, G275*, G279*.
Identifiers: ClinVar variation 1005265 (VCV001005265.7), dbSNP rs753194065, ClinGen allele CA377392448.